The following is an entry in ClinVar:

ClinVar aggregate classification (germline): Likely benign (0 of 4 stars; one submission).

Conditions:
KY-related disorder. Also called: KY-related condition.

Allele frequency attached by ClinVar (database versions not stated): ESP Exome Variant Server 0.00008; gnomAD 0.00011; ExAC 0.00013.
gnomAD v4.1: 147 of 1,611,154 alleles (0.0091%); highest among the groups gnomAD compares: South Asian, 0.022%; 1 homozygote.

Submission:

PreventionGenetics, part of Exact Sciences
Classification: Likely benign for KY-related condition. Last evaluated: 2022-11-07. Review status: no assertion criteria provided. Collection method: clinical testing. Allele origin: germline.
Comment: This variant is classified as likely benign based on ACMG/AMP sequence variant interpretation guidelines (Richards et al. 2015 PMID: 25741868, with internal and published modifications).

NM_178554.6(KY):c.710+4C>T

Genes: CEP63 (centrosomal protein 63; plus strand), KY (kyphoscoliosis peptidase; minus strand). Cytogenetic location: 3q22.2.
Variant type: single nucleotide variant.
Coding change: c.710+4C>T on transcript NM_178554.6 (MANE Select); 4 bases into the intron after coding-DNA position 710, C replaced by T.
Molecular consequence: intron variant.
Genome position (GRCh38, 1-based): chr3:134,619,144, G>A on the plus strand (C>T on the coding strand, the complement: KY is on the minus strand). VCF-style: chr3-134619144-G-A. GRCh37 (hg19) VCF-style: chr3-134337986-G-A.
Other names: c.662+4C>T (NM_001350859.2); c.647+4C>T (NM_001366276.1); c.584+4C>T (NM_001350860.2); c.710+4C>T (NM_001366277.2).
Identifiers: ClinVar variation 3049936 (VCV003049936.2), dbSNP rs202115421, ClinGen allele CA2629205.